The following is an entry in ClinVar:

ClinVar aggregate classification (germline): Uncertain significance. Review status: criteria provided, multiple submitters, no conflicts (2 of 4 stars). 2 submissions from 2 submitters: Uncertain significance (2). Last evaluated 2025-12-26.

Conditions:
Cardiovascular phenotype. Identifiers: MedGen CN230736.
ANK2-related disorder. Also called: ANK2-related condition.

Allele frequency attached by ClinVar (database versions not stated): gnomAD exomes below 0.00001.
gnomAD v4.1: 2 of 1,612,422 alleles (0.00012%); highest among the groups gnomAD compares: Non-Finnish European, 0.00017%; no homozygotes.

Submissions (2):

Clinical Genomics Laboratory, Washington University in St. Louis
Classification: Uncertain significance for ANK2-related disorder. Last evaluated: 2025-12-26. Review status: criteria provided, single submitter. Criteria: ACMG Guidelines, 2015. Collection method: clinical testing. Allele origin: germline.
Comment: The ANK2 c.10742G>A (p.Gly3581Asp) variant, to our knowledge, has not been reported in the medical literature but has been reported in the ClinVar database as a germline variant of uncertain significance by one submitter. This variant is only observed on 2/1,612,422 alleles in the general population (gnomAD v4.1.0), indicating it is not a common variant. Computational predictors indicate that the variant is damaging, evidence that correlates with impact to ANK2 function. Due to limited information, the clinical significance of this variant is uncertain.

Ambry Genetics
Classification: Uncertain significance for Cardiovascular phenotype. Last evaluated: 2023-03-16. Review status: criteria provided, single submitter. Criteria: Ambry Variant Classification Scheme 2023. Collection method: clinical testing. Allele origin: germline.
Comment: The p.G3581D variant (also known as c.10742G>A), located in coding exon 39 of the ANK2 gene, results from a G to A substitution at nucleotide position 10742. The glycine at codon 3581 is replaced by aspartic acid, an amino acid with similar properties. This amino acid position is highly conserved in available vertebrate species. In addition, this alteration is predicted to be deleterious by in silico analysis. Since supporting evidence is limited at this time, the clinical significance of this alteration remains unclear.

Literature cited by the submitters: PubMed 37195288 (cited by Clinical Genomics Laboratory, Washington University in St. Louis); PubMed 35313230 (cited by Clinical Genomics Laboratory, Washington University in St. Louis); PubMed 28135719 (cited by Clinical Genomics Laboratory, Washington University in St. Louis); PubMed 31981491 (cited by Clinical Genomics Laboratory, Washington University in St. Louis); PubMed 39631164 (cited by Clinical Genomics Laboratory, Washington University in St. Louis); PubMed 35990955 (cited by Clinical Genomics Laboratory, Washington University in St. Louis).

NM_001148.6(ANK2):c.10742G>A (p.Gly3581Asp)

Gene: ANK2 (ankyrin 2; plus strand). Cytogenetic location: 4q26.
Variant type: single nucleotide variant.
Coding change: c.10742G>A on transcript NM_001148.6 (MANE Select); coding-DNA position 10742, G replaced by A.
Protein change: p.Gly3581Asp; replaces glycine 3581 with aspartic acid.
Molecular consequence: missense variant.
Genome position (GRCh38, 1-based): chr4:113,360,883, G>A. VCF-style: chr4-113360883-G-A. GRCh37 (hg19) VCF-style: chr4-114282039-G-A.
Other names: c.4460G>A, p.Gly1487Asp (NM_001127493.3); c.4499G>A, p.Gly1500Asp (NM_001354225.2); c.4388G>A, p.Gly1463Asp (NM_001354228.2, NM_001354258.2); c.4466G>A, p.Gly1489Asp (NM_001354230.2); c.4529G>A, p.Gly1510Asp (NM_001354231.2, NM_001354242.2); c.4523G>A, p.Gly1508Asp (NM_001354232.2); c.4484G>A, p.Gly1495Asp (NM_001354235.2, NM_001354246.2, NM_001354265.2); c.4385G>A, p.Gly1462Asp (NM_001354236.2); and 35 more; short protein forms G1409D, G1421D, G1453D, G1479D, G1491D, G1496D, G1500D, G1508D.
Identifiers: ClinVar variation 1784262 (VCV001784262.4), dbSNP rs2154037347, ClinGen allele CA357941113.
Genomic context (GRCh38, chr4:113,360,883, plus strand): 5'-ATCCACAGGATGAGCAGGAACGGATCGAGGAAAGGCTGGCTTATATTGCTGATCACCTTG[G>A]CTTCAGCTGGACAGGTAAAAAGAATGTGACCCAGGTTTTCAACAAAACCTGACATAGATG-3'
Protein context (NP_001139.3, residues 3571-3591): ERLAYIADHL[Gly3581Asp]FSWTELAREL